The following is an entry in ClinVar:

ClinVar aggregate classification (germline): Uncertain significance (1 of 4 stars; one submission).

gnomAD v4.1: 1 of 1,614,216 alleles (0.000062%); highest among the groups gnomAD compares: Non-Finnish European, 0.000085%; no homozygotes.

Submission:

GeneDx
Classification: Uncertain significance. Last evaluated: 2023-12-17. Review status: criteria provided, single submitter. Criteria: GeneDx Variant Classification Process June 2021. Collection method: clinical testing. Allele origin: germline. Affected: yes.
Comment: Not observed at significant frequency in large population cohorts (gnomAD); In silico analysis supports that this missense variant has a deleterious effect on protein structure/function; Has not been previously published as pathogenic or benign to our knowledge

NM_004369.4(COL6A3):c.1799C>G (p.Ser600Cys)

Gene: COL6A3 (collagen type VI alpha 3 chain; minus strand). Cytogenetic location: 2q37.3.
Variant type: single nucleotide variant.
Coding change: c.1799C>G on transcript NM_004369.4 (MANE Select); coding-DNA position 1799, C replaced by G.
Protein change: p.Ser600Cys; replaces serine 600 with cysteine.
Molecular consequence: missense variant.
Genome position (GRCh38, 1-based): chr2:237,381,013, G>C on the plus strand (C>G on the coding strand, the complement: COL6A3 is on the minus strand). VCF-style: chr2-237381013-G-C. GRCh37 (hg19) VCF-style: chr2-238289656-G-C.
Other names: c.578C>G, p.Ser193Cys (NM_057164.5, NM_057166.5); c.1181C>G, p.Ser394Cys (NM_057165.5, NM_057167.4); short protein forms S193C, S394C, S600C.
Identifiers: ClinVar variation 3365489 (VCV003365489.1).